The following is an entry in ClinVar:

NM_000051.4(ATM):c.2251-3T>C

Gene: ATM (ATM serine/threonine kinase; plus strand). Cytogenetic location: 11q22.3.
Variant type: single nucleotide variant.
Coding change: c.2251-3T>C on transcript NM_000051.4 (MANE Select); 3 bases into the intron before coding-DNA position 2251, T replaced by C.
Molecular consequence: intron variant.
Genome position (GRCh38, 1-based): chr11:108,257,478, T>C. VCF-style: chr11-108257478-T-C. GRCh37 (hg19) VCF-style: chr11-108128205-T-C.
Other names: c.2251-3T>C (NM_001351834.2).
Identifiers: ClinVar variation 490463 (VCV000490463.13), dbSNP rs752951518, ClinGen allele CA6264988.

ClinVar aggregate classification (germline): Conflicting classifications of pathogenicity. Review status: criteria provided, conflicting classifications (1 of 4 stars). 5 submissions from 5 submitters: Uncertain significance (3); Likely benign (2). Last evaluated 2025-02-03.

Conditions:
Hereditary cancer-predisposing syndrome. Also called: Tumor predisposition; Neoplastic Syndromes, Hereditary; Hereditary Cancer Syndrome; Hereditary neoplastic syndrome. Identifiers: Orphanet 140162, MedGen C0027672, MeSH D009386, MONDO:0015356.
Familial cancer of breast. Also called: BREAST CANCER, FAMILIAL; hereditary breast carcinoma; Hereditary breast cancer. Identifiers: Orphanet 227535, MedGen C0346153, MONDO:0016419, OMIM 114480. Disease mechanism: loss of function.
Ataxia-telangiectasia syndrome (AT). Also called: Ataxia-telangiectasia; Ataxia-telangiectasia, complementation group D; AT, COMPLEMENTATION GROUP C; LOUIS-BAR SYNDROME; Cerebello-oculocutaneous telangiectasia; Immunodeficiency with ataxia telangiectasia. Identifiers: Orphanet 100, MedGen C0004135, MONDO:0008840, OMIM 208900.

Allele frequency attached by ClinVar (database versions not stated): gnomAD exomes below 0.00001; ExAC 0.00001.
gnomAD v4.1: 1 of 1,612,576 alleles (0.000062%); highest among the groups gnomAD compares: South Asian, 0.0011%; no homozygotes.

Submissions (5):

Labcorp Genetics (formerly Invitae), Labcorp
Classification: Likely benign for Ataxia-telangiectasia syndrome. Last evaluated: 2025-02-03. Review status: criteria provided, single submitter. Criteria: Invitae Variant Classification Sherloc (09022015). Collection method: clinical testing. Allele origin: germline.

Myriad Genetics, Inc.
Classification: Likely benign for Familial cancer of breast. Last evaluated: 2024-05-08. Review status: criteria provided, single submitter. Criteria: Myriad Autosomal Dominant, Autosomal Recessive and X-Linked Classification Criteria (2023). Collection method: clinical testing. Allele origin: unknown.
Comment: This variant is considered likely benign. This variant is intronic and is not expected to impact mRNA splicing.

GeneDx
Classification: Uncertain significance. Last evaluated: 2024-01-12. Review status: criteria provided, single submitter. Criteria: GeneDx Variant Classification Process June 2021. Collection method: clinical testing. Allele origin: germline. Affected: yes.
Comment: Not observed at significant frequency in large population cohorts (gnomAD); In silico analysis supports that this variant does not alter splicing; Has not been previously published as pathogenic or benign to our knowledge

Ambry Genetics
Classification: Uncertain significance for Hereditary cancer-predisposing syndrome. Last evaluated: 2022-04-13. Review status: criteria provided, single submitter. Criteria: Ambry Variant Classification Scheme 2023. Collection method: clinical testing. Allele origin: germline.
Comment: The c.2251-3T>C intronic variant results from a T to C substitution 3 nucleotides upstream from coding exon 14 in the ATM gene. This nucleotide position is not well conserved in available vertebrate species. In silico splice site analysis predicts that this alteration will not have any significant effect on splicing; however, direct evidence is insufficient at this time (Ambry internal data). Since supporting evidence is limited at this time, the clinical significance of this alteration remains unclear.

Color Diagnostics, LLC DBA Color Health
Classification: Uncertain significance for Hereditary cancer-predisposing syndrome. Last evaluated: 2019-02-17. Review status: criteria provided, single submitter. Criteria: ACMG Guidelines, 2015. Collection method: clinical testing. Allele origin: germline.